The following is an entry in ClinVar:

NM_004360.5(CDH1):c.1565+3A>G

Gene: CDH1 (cadherin 1; plus strand). Cytogenetic location: 16q22.1.
Variant type: single nucleotide variant.
Coding change: c.1565+3A>G on transcript NM_004360.5 (MANE Select); 3 bases into the intron after coding-DNA position 1565, A replaced by G.
Molecular consequence: intron variant.
Genome position (GRCh38, 1-based): chr16:68,815,762, A>G. VCF-style: chr16-68815762-A-G. GRCh37 (hg19) VCF-style: chr16-68849665-A-G.
Other names: c.17+3A>G (NM_001317185.2); c.-255+3A>G (NM_001317186.2); c.1382+3A>G (NM_001317184.2).
Identifiers: ClinVar variation 491501 (VCV000491501.9), dbSNP rs1555516202, ClinGen allele CA658683955.

ClinVar aggregate classification (germline): Conflicting classifications of pathogenicity. Review status: criteria provided, conflicting classifications (1 of 4 stars). 2 submissions from 2 submitters: Uncertain significance (1); Likely benign (1). Last evaluated 2019-05-08.

Conditions:
Hereditary cancer-predisposing syndrome. Also called: Tumor predisposition; Neoplastic Syndromes, Hereditary; Hereditary Cancer Syndrome; Hereditary neoplastic syndrome. Identifiers: Orphanet 140162, MedGen C0027672, MeSH D009386, MONDO:0015356.
Hereditary diffuse gastric adenocarcinoma (HDGC). Also called: DIFFUSE GASTRIC AND LOBULAR BREAST CANCER SYNDROME. Identifiers: Orphanet 26106, MedGen C1708349, MONDO:0007648, OMIM 137215.

Allele frequency attached by ClinVar (database versions not stated): gnomAD exomes below 0.00001.
gnomAD v4.1: 1 of 1,614,222 alleles (0.000062%); highest among the groups gnomAD compares: South Asian, 0.0011%; no homozygotes.

Submissions (2):

Labcorp Genetics (formerly Invitae), Labcorp
Classification: Uncertain significance for Hereditary diffuse gastric adenocarcinoma. Last evaluated: 2019-05-08. Review status: criteria provided, single submitter. Criteria: Invitae Variant Classification Sherloc (09022015). Collection method: clinical testing. Allele origin: germline.
Comment: Nucleotide substitutions within the consensus splice site are a relatively common cause of aberrant splicing (PMID: 17576681, 9536098). Algorithms developed to predict the effect of sequence changes on RNA splicing suggest that this variant is not likely to affect RNA splicing, but this prediction has not been confirmed by published transcriptional studies. In summary, the available evidence is currently insufficient to determine the role of this variant in disease. Therefore, it has been classified as a Variant of Uncertain Significance. This variant has not been reported in the literature in individuals with CDH1-related conditions. ClinVar contains an entry for this variant (Variation ID: 491501). This variant is not present in population databases (ExAC no frequency). This sequence change falls in intron 10 of the CDH1 gene. It does not directly change the encoded amino acid sequence of the CDH1 protein, but it affects a nucleotide within the consensus splice site of the intron.

Color Diagnostics, LLC DBA Color Health
Classification: Likely benign for Hereditary cancer-predisposing syndrome. Last evaluated: 2017-03-09. Review status: criteria provided, single submitter. Criteria: ACMG Guidelines, 2015. Collection method: clinical testing. Allele origin: germline.

Literature cited by the submitters: PubMed 17576681 (cited by Labcorp Genetics (formerly Invitae), Labcorp); PubMed 9536098 (cited by Labcorp Genetics (formerly Invitae), Labcorp).